The following is an entry in ClinVar:

NM_003049.4(SLC10A1):c.348G>T (p.Met116Ile)

Gene: SLC10A1 (solute carrier family 10 member 1; minus strand). Cytogenetic location: 14q24.1.
Variant type: single nucleotide variant.
Coding change: c.348G>T on transcript NM_003049.4 (MANE Select); coding-DNA position 348, G replaced by T.
Protein change: p.Met116Ile; replaces methionine 116 with isoleucine.
Molecular consequence: missense variant.
Genome position (GRCh38, 1-based): chr14:69,796,808, C>A on the plus strand (G>T on the coding strand, the complement: SLC10A1 is on the minus strand). VCF-style: chr14-69796808-C-A. GRCh37 (hg19) VCF-style: chr14-70263525-C-A.
Other names: p.Met116Ile; c.348G>T (NM_003049.3); short protein forms M116I.
Identifiers: ClinVar variation 4541883 (VCV004541883.2).
Genomic context (GRCh38, chr14:69,796,808, plus strand): 5'-TATCTAATGTAGCTCCTGTCCCAGGCTGTTCCCTCCTCACCCCCAGGCCTACCTGAGGTT[C>A]ATGTCCCCCTTCATGGCCAGACTGAAGACATTGGACAGGTTCCCTCCAGGTGAGCAGCCA-3'
Protein context (NP_003040.1, residues 106-126): NVFSLAMKGD[Met116Ile]NLSIVMTTCS

ClinVar aggregate classification (germline): Uncertain significance. Review status: criteria provided, multiple submitters, no conflicts (2 of 4 stars). 2 submissions from 2 submitters: Uncertain significance (2). Last evaluated 2025-12-30.

Conditions:
SLC10A1-related disorder. Also called: SLC10A1-related condition.

Submissions (2):

PreventionGenetics, part of Exact Sciences
Classification: Uncertain significance for SLC10A1-related condition. Last evaluated: 2025-12-30. Review status: criteria provided, single submitter. Criteria: ACMG Guidelines, 2015. Collection method: clinical testing. Allele origin: germline.
Comment: The SLC10A1 c.348G>T variant is predicted to result in the amino acid substitution p.Met116Ile. To our knowledge, this variant has not been reported in the literature. This variant is reported in 0.014% of alleles in individuals of Latino descent in gnomAD. At this time, the clinical significance of this variant is uncertain due to the absence of conclusive functional and genetic evidence.

Mayo Clinic Laboratories, Mayo Clinic
Classification: Uncertain significance. Last evaluated: 2025-11-07. Review status: criteria provided, single submitter. Criteria: ACMG Guidelines, 2015. Collection method: clinical testing. Allele origin: germline. Observed: 1 variant allele.
Comment: BP4_moderate